The following is an entry in ClinVar:

ClinVar aggregate classification (germline): Pathogenic. Review status: criteria provided, multiple submitters, no conflicts (2 of 4 stars). 7 submissions from 7 submitters: Pathogenic (7). Last evaluated 2025-08-07.

Conditions:
Hermansky-Pudlak syndrome 1 (HPS1). Also called: DELTA STORAGE POOL DISEASE. Identifiers: Orphanet 231500, Orphanet 79430, MedGen C2931875, MONDO:0008748, OMIM 203300.
Hermansky-Pudlak syndrome (HPS). Also called: ALBINISM WITH HEMORRHAGIC DIATHESIS AND PIGMENTED RETICULOENDOTHELIAL CELLS. Identifiers: Orphanet 79430, MedGen C0079504, MONDO:0019312.

Allele frequency attached by ClinVar (database versions not stated): TOPMed 0.00001; gnomAD exomes 0.00001 and below 0.00001; gnomAD 0.00003.
gnomAD v4.1: 18 of 1,613,572 alleles (0.0011%); highest among the groups gnomAD compares: South Asian, 0.0055%; no homozygotes.

Submissions (7):

Natera, Inc.
Classification: Pathogenic for Hermansky-Pudlak syndrome. Last evaluated: 2025-08-07. Review status: criteria provided, single submitter. Criteria: Natera Variant Classification Schema (03/2026). Collection method: clinical testing. Allele origin: germline.
Comment: The c.517C>T variant in HPS1 is a nonsense variant predicted to introduce a stop codon at amino acid 173. This variant is expected to result in nonsense mediated decay, truncation, or a dysfunctional protein product. This variant is rare in the general population with a frequency below the threshold expected for the associated phenotype(s). This variant has been observed in one or more individuals affected with the associated recessive disease, as either homozygous or compound heterozygous with a second variant (PMID: 27593200, 32725903). Given the available evidence, this variant is classified as Pathogenic.

Fulgent Genetics
Classification: Pathogenic for Hermansky-Pudlak syndrome 1. Last evaluated: 2024-06-12. Review status: criteria provided, single submitter. Criteria: ACMG Guidelines, 2015. Collection method: clinical testing. Allele origin: germline.

Myriad Genetics, Inc.
Classification: Pathogenic for Hermansky-Pudlak syndrome 1. Last evaluated: 2024-04-24. Review status: criteria provided, single submitter. Criteria: Myriad Autosomal Dominant, Autosomal Recessive and X-Linked Classification Criteria (2023). Collection method: clinical testing. Allele origin: unknown.
Comment: NM_000195.3(HPS1):c.517C>T(R173*) is expected to be pathogenic in the context of Hermansky-Pudlak syndrome, HPS1-related. This variant is predicted to lead to an abnormal or absent protein product due to the creation of a premature termination codon in HPS1, a gene where loss-of-function variants are known to be pathogenic. Please note: this variant was assessed in the context of healthy population screening.

Labcorp Genetics (formerly Invitae), Labcorp
Classification: Pathogenic. Last evaluated: 2023-11-05. Review status: criteria provided, single submitter. Criteria: Invitae Variant Classification Sherloc (09022015). Collection method: clinical testing. Allele origin: germline.
Comment: This sequence change creates a premature translational stop signal (p.Arg173*) in the HPS1 gene. It is expected to result in an absent or disrupted protein product. Loss-of-function variants in HPS1 are known to be pathogenic (PMID: 12442288, 16185271). This variant is present in population databases (rs538274657, gnomAD 0.007%). This premature translational stop signal has been observed in individual(s) with clinical features of Hermansky-Pudlak Syndrome (PMID: 27593200, 28081892). In at least one individual the data is consistent with being in trans (on the opposite chromosome) from a pathogenic variant. ClinVar contains an entry for this variant (Variation ID: 937794). For these reasons, this variant has been classified as Pathogenic.

Broad Center for Mendelian Genomics, Broad Institute of MIT and Harvard
Classification: Pathogenic for Hermansky-Pudlak syndrome. Last evaluated: 2021-11-29. Review status: criteria provided, single submitter. Criteria: ACMG Guidelines, 2015. Collection method: curation. Allele origin: germline. Inheritance: Autosomal recessive inheritance.
Comment: The p.Arg173Ter variant in HPS1 has been reported in at least 2 individuals with Hermansky-Pudlak syndrome (PMID: 27593200, 28081892), and has been identified in 0.006% (1/16046) of African/African-American chromosomes by the Genome Aggregation Database (gnomAD; dbSNP ID: rs538274657). Although this variant has been seen in the general population in a heterozygous state, its frequency is low enough to be consistent with a recessive carrier frequency. Of the 2 affected individuals, 1 was a compound heterozygote that carried a reported pathogenic variants in trans, which increases the likelihood that the p.Arg173Ter variant is pathogenic (VariationID: 21091 PMID: 28081892). This variant has also been reported in ClinVar (Variation ID#: 937794) and has been interpreted as Pathogenic by Women's Health and Genetics (Laboratory Corporation of America, LabCorp) and Invitae. This nonsense variant leads to a premature termination codon at position 173, which is predicted to lead to a truncated or absent protein. Loss of function of the HPS1 gene is an established disease mechanism in autosomal recessive Hermansky-Pudlak syndrome. In summary, this variant meets criteria to be classified as pathogenic for autosomal recessive Hermansky-Pudlak syndrome. ACMG/AMP Criteria applied: PM3, PM2_supporting, PVS1 (Richards 2015).

Women's Health and Genetics/Laboratory Corporation of America, LabCorp
Classification: Pathogenic for Hermansky-Pudlak syndrome. Last evaluated: 2020-10-09. Review status: criteria provided, single submitter. Criteria: LabCorp Variant Classification Summary - May 2015. Collection method: clinical testing. Allele origin: germline.
Comment: Variant summary: HPS1 c.517C>T (p.Arg173X) results in a premature termination codon, predicted to cause a truncation of the encoded protein or absence of the protein due to nonsense mediated decay, which are commonly known mechanisms for disease. The variant allele was found at a frequency of 4e-06 in 247936 control chromosomes. c.517C>T has been reported in the literature in at-least two individuals affected with Hermansky-Pudlak Syndrome (example, Wei_2016, Theunissen_2017). To our knowledge, no experimental evidence demonstrating an impact on protein function has been reported. One clinical diagnostic laboratory has submitted clinical-significance assessments for this variant to ClinVar after 2014 without evidence for independent evaluation and classified the variant as pathogenic. Based on the evidence outlined above, the variant was classified as pathogenic.

3billion
Classification: Pathogenic for Hermansky-Pudlak syndrome 1. Review status: criteria provided, single submitter. Criteria: ACMG Guidelines, 2015. Collection method: clinical testing. Allele origin: unknown. Affected: yes. Observed: 1 homozygote.
Comment: The variant is observed at an extremely low frequency in the gnomAD v2.1.1 dataset (total allele frequency: <0.001%). The variant is predicted to result in a loss or disruption of normal protein function through nonsense-mediated decay (NMD) or protein truncation. Multiple pathogenic variants are reported downstream of the variant. The variant has been reported at least twice as pathogenic with clinical assertions and evidence for the classification (ClinVar ID: VCV000937794 / PMID: 27593200). Therefore, this variant is classified as Pathogenic according to the recommendation of ACMG/AMP guideline.

Literature cited by the submitters: PubMed 27593200 (cited by 4 submitters); PubMed 32725903 (cited by Natera, Inc.); PubMed 12442288 (cited by Labcorp Genetics (formerly Invitae), Labcorp); PubMed 16185271 (cited by Labcorp Genetics (formerly Invitae), Labcorp); PubMed 28081892 (cited by Labcorp Genetics (formerly Invitae), Labcorp and Women's Health and Genetics/Laboratory Corporation of America, LabCorp).

NM_000195.5(HPS1):c.517C>T (p.Arg173Ter)

Gene: HPS1 (HPS1 biogenesis of lysosomal organelles complex 3 subunit 1; minus strand). Cytogenetic location: 10q24.2.
Variant type: single nucleotide variant.
Coding change: c.517C>T on transcript NM_000195.5 (MANE Select); coding-DNA position 517, C replaced by T.
Protein change: p.Arg173Ter; replaces arginine 173 with a stop codon.
Molecular consequence: nonsense. On other transcripts: 5 prime UTR variant (3), intron variant (5).
Genome position (GRCh38, 1-based): chr10:98,431,282, G>A on the plus strand (C>T on the coding strand, the complement: HPS1 is on the minus strand). VCF-style: chr10-98431282-G-A. GRCh37 (hg19) VCF-style: chr10-100191039-G-A.
Other names: NM_000195.5(HPS1):c.517C>T; p.Arg173Ter; c.-357C>T (NM_001311345.2, NM_001322489.2); c.517C>T, p.Arg173Ter (NM_001322476.2, NM_001322477.2, NM_001322478.2 and 3 more transcripts); c.148C>T, p.Arg50Ter (NM_001322483.2, NM_001322484.2, NM_001322485.2); c.-456C>T (NM_001322487.2); c.408-612C>T (NM_001322480.2, NM_001322482.2, NM_001322481.2); c.551-612C>T (NM_001322492.2, NM_001322490.2); short protein forms R173*, R50*.
Identifiers: ClinVar variation 937794 (VCV000937794.21), dbSNP rs538274657, ClinGen allele CA212768814.